The following is an entry in ClinVar:

ClinVar aggregate classification (germline): Uncertain significance (1 of 4 stars; one submission).

Submission:

GeneDx
Classification: Uncertain significance. Last evaluated: 2024-05-17. Review status: criteria provided, single submitter. Criteria: GeneDx Variant Classification Process June 2021. Collection method: clinical testing. Allele origin: germline. Affected: yes.
Comment: Not observed at significant frequency in large population cohorts (gnomAD); In silico analysis indicates that this missense variant does not alter protein structure/function; Has not been previously published as pathogenic or benign to our knowledge

NM_000809.4(GABRA4):c.1158G>A (p.Met386Ile)

Gene: GABRA4 (gamma-aminobutyric acid type A receptor subunit alpha4; minus strand). Cytogenetic location: 4p12.
Variant type: single nucleotide variant.
Coding change: c.1158G>A on transcript NM_000809.4 (MANE Select); coding-DNA position 1158, G replaced by A.
Protein change: p.Met386Ile; replaces methionine 386 with isoleucine.
Molecular consequence: missense variant.
Genome position (GRCh38, 1-based): chr4:46,928,732, C>T on the plus strand (G>A on the coding strand, the complement: GABRA4 is on the minus strand). VCF-style: chr4-46928732-C-T. GRCh37 (hg19) VCF-style: chr4-46930749-C-T.
Other names: c.1101G>A, p.Met367Ile (NM_001204266.2); c.948G>A, p.Met316Ile (NM_001204267.2); short protein forms M316I, M367I, M386I.
Identifiers: ClinVar variation 3377988 (VCV003377988.1).